The following is an entry in ClinVar:

ClinVar aggregate classification (germline): Uncertain significance (1 of 4 stars; one submission).

Submission:

GeneDx
Classification: Uncertain significance. Last evaluated: 2023-07-25. Review status: criteria provided, single submitter. Criteria: GeneDx Variant Classification Process June 2021. Collection method: clinical testing. Allele origin: germline. Affected: yes.
Comment: Not observed at significant frequency in large population cohorts (gnomAD); In silico analysis supports that this missense variant does not alter protein structure/function; Has not been previously published as pathogenic or benign to our knowledge

NM_000996.4(RPL35A):c.269G>A (p.Ser90Asn)

Genes: DRC9 (dynein regulatory complex subunit 9; minus strand), RPL35A (ribosomal protein L35a; plus strand). Cytogenetic location: 3q29.
Variant type: single nucleotide variant.
Coding change: c.269G>A on transcript NM_000996.4 (MANE Select); coding-DNA position 269, G replaced by A.
Protein change: p.Ser90Asn; replaces serine 90 with asparagine.
Molecular consequence: missense variant. On other transcripts: intron variant (3).
Genome position (GRCh38, 1-based): chr3:197,954,107, G>A. VCF-style: chr3-197954107-G-A. GRCh37 (hg19) VCF-style: chr3-197680978-G-A.
Other names: c.269G>A, p.Ser90Asn (NM_001316311.2); c.-50+5422C>T (NM_001323028.2); c.-60+5422C>T (NM_032263.5); c.-375+5422C>T (NM_001323029.2); short protein forms S90N.
Identifiers: ClinVar variation 3361447 (VCV003361447.1).